The following is an entry in ClinVar:

ClinVar aggregate classification (germline): Uncertain significance (1 of 4 stars; one submission).

Submission:

Labcorp Genetics (formerly Invitae), Labcorp
Classification: Uncertain significance. Last evaluated: 2023-12-20. Review status: criteria provided, single submitter. Criteria: Invitae Variant Classification Sherloc (09022015). Collection method: clinical testing. Allele origin: unknown.
Comment: This variant results in a copy number gain of the genomic region encompassing exon(s) 1-4 of the UMOD gene. This region includes the initiator codon of the gene. This copy number gain extends beyond the assayed region for this gene and therefore may encompass additional genes. As the precise location of this event is unknown, it may be in tandem or it may be located elsewhere in the genome. This variant has not been reported in the literature in individuals affected with UMOD-related conditions. Experimental studies and prediction algorithms are not available or were not evaluated, and the functional significance of this variant is currently unknown. In summary, the available evidence is currently insufficient to determine the role of this variant in disease. Therefore, it has been classified as a Variant of Uncertain Significance.

NC_000016.9:g.(?_20359525)_(20365654_?)dup

Gene: UMOD (uromodulin; minus strand). Cytogenetic location: 16p12.3.
Variant type: Duplication.
Identifiers: ClinVar variation 3243636 (VCV003243636.1).